The following is an entry in ClinVar:

NM_001164665.2(KIAA1549):c.5603A>G (p.His1868Arg)

Gene: KIAA1549 (KIAA1549; minus strand). Cytogenetic location: 7q34.
Variant type: single nucleotide variant.
Coding change: c.5603A>G on transcript NM_001164665.2 (MANE Select); coding-DNA position 5603, A replaced by G.
Protein change: p.His1868Arg; replaces histidine 1868 with arginine.
Molecular consequence: missense variant. On other transcripts: intron variant (1).
Genome position (GRCh38, 1-based): chr7:138,838,156, T>C on the plus strand (A>G on the coding strand, the complement: KIAA1549 is on the minus strand). VCF-style: chr7-138838156-T-C. GRCh37 (hg19) VCF-style: chr7-138522901-T-C.
Other names: c.5599-44A>G (NM_020910.3); short protein forms H1868R.
Identifiers: ClinVar variation 1063063 (VCV001063063.9), dbSNP rs1404433735, ClinGen allele CA369384354.

ClinVar aggregate classification (germline): Uncertain significance (1 of 4 stars; one submission).

Allele frequency attached by ClinVar (database versions not stated): gnomAD exomes below 0.00001 and 0.00001.
gnomAD v4.1: 1 of 1,466,290 alleles (0.000068%); highest among the groups gnomAD compares: Non-Finnish European, 0.00009%; no homozygotes.

Submission:

Labcorp Genetics (formerly Invitae), Labcorp
Classification: Uncertain significance. Last evaluated: 2020-03-14. Review status: criteria provided, single submitter. Criteria: Invitae Variant Classification Sherloc (09022015). Collection method: clinical testing. Allele origin: germline.
Comment: This sequence change replaces histidine with arginine at codon 1868 of the KIAA1549 protein (p.His1868Arg). The histidine residue is weakly conserved and there is a small physicochemical difference between histidine and arginine. The frequency data for this variant in the population databases is considered unreliable, as metrics indicate insufficient coverage at this position in the ExAC database. This variant has not been reported in the literature in individuals with KIAA1549-related conditions. Algorithms developed to predict the effect of missense changes on protein structure and function are either unavailable or do not agree on the potential impact of this missense change (SIFT: "Tolerated"; PolyPhen-2: "Possibly Damaging"; Align-GVGD: "Class C0"). In summary, the available evidence is currently insufficient to determine the role of this variant in disease. Therefore, it has been classified as a Variant of Uncertain Significance.